The following is an entry in ClinVar:

ClinVar aggregate classification (germline): Benign (1 of 4 stars; one submission).

Allele frequency attached by ClinVar (database versions not stated): gnomAD exomes 0.01025; gnomAD 0.01201.
gnomAD v4.1: 7,826 of 760,766 alleles (1%); highest among the groups gnomAD compares: Admixed American, 4%; 1,403 homozygotes.

Submission:

Unidad de Genómica Garrahan, Hospital de Pediatría Garrahan
Classification: Benign. Last evaluated: 2023-11-12. Review status: criteria provided, single submitter. Criteria: ACMG Guidelines, 2015. Collection method: clinical testing. Allele origin: germline. Affected: no. Observed: 19 variant alleles.
Comment: This variant is classified as Benign based on local population frequency. This variant was detected in 20% of patients studied by a panel of primary immunodeficiencies. Number of patients: 19. Only high quality variants are reported.

NM_001243133.2(NLRP3):c.2322-61G>A

Gene: NLRP3 (NLR family pyrin domain containing 3; plus strand). Cytogenetic location: 1q44.
Variant type: single nucleotide variant.
Coding change: c.2322-61G>A on transcript NM_001243133.2 (MANE Select); 61 bases into the intron before coding-DNA position 2322, G replaced by A.
Molecular consequence: intron variant.
Genome position (GRCh38, 1-based): chr1:247,434,042, G>A. VCF-style: chr1-247434042-G-A. GRCh37 (hg19) VCF-style: chr1-247597344-G-A.
Other names: c.2328-61G>A (NM_004895.5); c.2322-61G>A (NM_001127461.3, NM_001079821.3); c.2151-61G>A (NM_001127462.3, NM_183395.3).
Identifiers: ClinVar variation 2628308 (VCV002628308.2), dbSNP rs61841186, ClinGen allele CA40703662.